The following is an entry in ClinVar:

ClinVar aggregate classification (germline): Benign (0 of 4 stars; one submission).

Conditions:
ZFHX3-related disorder. Also called: ZFHX3-related condition.

Allele frequency attached by ClinVar (database versions not stated): ESP Exome Variant Server 0.00015; TOPMed 0.00018; gnomAD 0.00068; ExAC 0.00342; 1000 Genomes Project 0.00419; 1000 Genomes Project 30x 0.00422.
gnomAD v4.1: 2,132 of 1,614,078 alleles (0.13%); highest among the groups gnomAD compares: South Asian, 2.1%; 38 homozygotes.

Submission:

PreventionGenetics, part of Exact Sciences
Classification: Benign for ZFHX3-related condition. Last evaluated: 2019-07-01. Review status: no assertion criteria provided. Collection method: clinical testing. Allele origin: germline.
Comment: This variant is classified as benign based on ACMG/AMP sequence variant interpretation guidelines (Richards et al. 2015 PMID: 25741868, with internal and published modifications).

NM_006885.4(ZFHX3):c.530C>T (p.Ala177Val)

Gene: ZFHX3 (zinc finger homeobox 3; minus strand). Cytogenetic location: 16q22.3.
Variant type: single nucleotide variant.
Coding change: c.530C>T on transcript NM_006885.4 (MANE Select); coding-DNA position 530, C replaced by T.
Protein change: p.Ala177Val; replaces alanine 177 with valine.
Molecular consequence: missense variant. On other transcripts: intron variant (1).
Genome position (GRCh38, 1-based): chr16:72,959,616, G>A on the plus strand (C>T on the coding strand, the complement: ZFHX3 is on the minus strand). VCF-style: chr16-72959616-G-A. GRCh37 (hg19) VCF-style: chr16-72993515-G-A.
Other names: c.530C>T, p.Ala177Val (NM_001386735.1); c.-23-8651C>T (NM_001164766.2); short protein forms A177V.
Identifiers: ClinVar variation 3042779 (VCV003042779.2), dbSNP rs202071159, ClinGen allele CA8164963.